The following is an entry in ClinVar:

ClinVar aggregate classification (germline): Pathogenic (1 of 4 stars; one submission).

Conditions:
Atypical hemolytic-uremic syndrome. Identifiers: Orphanet 2134, MedGen C2931788, MONDO:0016244.

Submission:

Genomenon, Inc
Classification: Pathogenic for Atypical hemolytic-uremic syndrome. Last evaluated: 2026-09-17. Review status: criteria provided, single submitter. Criteria: Genomenon Sequence Variant Interpretation Standards - Updated. Collection method: curation. Allele origin: germline. Affected: yes.
Comment: CFH p.Thr30AsnfsTer10 (c.88dup) is a frameshift variant that is predicted to introduce a premature termination codon and result in a truncated or absent protein product. This variant has been observed in at least one proband affected with atypical hemolytic-uremic syndrome (PMID: 23431077; 28941939). It is absent or not present at a significant frequency in gnomAD. In conclusion, we classify CFH p.Thr30AsnfsTer10 (c.88dup) as a pathogenic variant.

Literature cited by the submitters: PubMed 23431077; PubMed 28941939.

NM_000186.4(CFH):c.88dup (p.Thr30fs)

Gene: CFH (complement factor H; plus strand). Cytogenetic location: 1q31.3.
Variant type: Duplication.
Coding change: c.88dup on transcript NM_000186.4 (MANE Select); coding-DNA position 88, one base duplicated (A; older notation c.88dupA).
Protein change: p.Thr30fs; shifts the reading frame from threonine 30.
Molecular consequence: frameshift variant.
Genome position (GRCh38, 1-based): chr1:196,673,007, A duplicated. VCF-style (leftmost placement, unchanged base first): chr1-196673006-T-TA. GRCh37 (hg19) VCF-style: chr1-196642136-T-TA.
Other names: c.88dup, p.Thr30fs (NM_001014975.3); short protein forms T30fs.
Identifiers: ClinVar variation 4291334 (VCV004291334.2).